The following is an entry in ClinVar:

NM_144670.6(A2ML1):c.2120-21_2120-20delinsCG

Gene: A2ML1 (alpha-2-macroglobulin like 1; plus strand). Cytogenetic location: 12p13.31.
Variant type: Indel.
Coding change: c.2120-21_2120-20delinsCG on transcript NM_144670.6 (MANE Select); 21 bases into the intron before coding-DNA position 2120 through 20 bases into the intron before coding-DNA position 2120, TC replaced by CG.
Molecular consequence: intron variant.
Genome position (GRCh38, 1-based): chr12:8,850,139-8,850,140, TC replaced by CG. VCF-style: chr12-8850139-TC-CG. GRCh37 (hg19) VCF-style: chr12-9002735-TC-CG.
Other names: c.647-21_647-20delinsCG (NM_001282424.3).
Identifiers: ClinVar variation 2726853 (VCV002726853.3), dbSNP rs2539251107, ClinGen allele CA2697559095.

ClinVar aggregate classification (germline): Uncertain significance (1 of 4 stars; one submission).

Submission:

Labcorp Genetics (formerly Invitae), Labcorp
Classification: Uncertain significance. Last evaluated: 2023-06-24. Review status: criteria provided, single submitter. Criteria: Invitae Variant Classification Sherloc (09022015). Collection method: clinical testing. Allele origin: germline.
Comment: In summary, the available evidence is currently insufficient to determine the role of this variant in disease. Therefore, it has been classified as a Variant of Uncertain Significance. Experimental studies and prediction algorithms are not available or were not evaluated, and the effect of this variant on mRNA splicing is currently unknown. This variant has not been reported in the literature in individuals affected with A2ML1-related conditions. Information on the frequency of this variant in the gnomAD database is not available, as this variant may be reported differently in the database. This sequence change falls in intron 17 of the A2ML1 gene. It does not directly change the encoded amino acid sequence of the A2ML1 protein.